The following is an entry in ClinVar:

NM_017849.4(TMEM127):c.124A>C (p.Thr42Pro)

Genes: TMEM127 (transmembrane protein 127; minus strand), LOC129934333 (ATAC-STARR-seq lymphoblastoid silent region 11759; plus strand). Cytogenetic location: 2q11.2.
Variant type: single nucleotide variant.
Coding change: c.124A>C on transcript NM_017849.4 (MANE Select); coding-DNA position 124, A replaced by C.
Protein change: p.Thr42Pro; replaces threonine 42 with proline.
Molecular consequence: missense variant.
Genome position (GRCh38, 1-based): chr2:96,265,258, T>G on the plus strand (A>C on the coding strand, the complement: TMEM127 is on the minus strand). VCF-style: chr2-96265258-T-G. GRCh37 (hg19) VCF-style: chr2-96930996-T-G.
Other names: c.124A>C, p.Thr42Pro (NM_001193304.3); short protein forms T42P.
Identifiers: ClinVar variation 1979753 (VCV001979753.5), dbSNP rs2467285669, ClinGen allele CA347656069.

ClinVar aggregate classification (germline): Uncertain significance. Review status: criteria provided, multiple submitters, no conflicts (2 of 4 stars). 2 submissions from 2 submitters: Uncertain significance (2). Last evaluated 2024-09-01.

Conditions:
Hereditary cancer-predisposing syndrome. Also called: Tumor predisposition; Hereditary Cancer Syndrome; Hereditary neoplastic syndrome; Neoplastic Syndromes, Hereditary. Identifiers: Orphanet 140162, MedGen C0027672, MeSH D009386, MONDO:0015356.
Hereditary pheochromocytoma and paraganglioma. Also called: Hereditary paragangliomas and pheochromocytomas; Hereditary Paraganglioma-Pheochromocytoma Syndromes; Hereditary pheochromocytoma-paraganglioma. Identifiers: Orphanet 29072, MedGen C4274332, MONDO:0017366.

Submissions (2):

Ambry Genetics
Classification: Uncertain significance for Hereditary cancer-predisposing syndrome. Last evaluated: 2024-09-01. Review status: criteria provided, single submitter. Criteria: Ambry Variant Classification Scheme 2023. Collection method: clinical testing. Allele origin: germline.
Comment: The p.T42P variant (also known as c.124A>C), located in coding exon 1 of the TMEM127 gene, results from an A to C substitution at nucleotide position 124. The threonine at codon 42 is replaced by proline, an amino acid with highly similar properties. This amino acid position is conserved. In addition, this alteration is predicted to be deleterious by in silico analysis. Based on the available evidence, the clinical significance of this variant remains unclear.

Labcorp Genetics (formerly Invitae), Labcorp
Classification: Uncertain significance for Hereditary pheochromocytoma and paraganglioma. Last evaluated: 2022-01-27. Review status: criteria provided, single submitter. Criteria: Invitae Variant Classification Sherloc (09022015). Collection method: clinical testing. Allele origin: germline.
Comment: In summary, the available evidence is currently insufficient to determine the role of this variant in disease. Therefore, it has been classified as a Variant of Uncertain Significance. Algorithms developed to predict the effect of missense changes on protein structure and function (SIFT, PolyPhen-2, Align-GVGD) all suggest that this variant is likely to be tolerated. This variant has not been reported in the literature in individuals affected with TMEM127-related conditions. This variant is not present in population databases (gnomAD no frequency). This sequence change replaces threonine, which is neutral and polar, with proline, which is neutral and non-polar, at codon 42 of the TMEM127 protein (p.Thr42Pro).